The following is an entry in ClinVar:

ClinVar aggregate classification (germline): Uncertain significance (1 of 4 stars; one submission).

Submission:

Ambry Genetics
Classification: Uncertain significance. Last evaluated: 2021-06-15. Review status: criteria provided, single submitter. Criteria: Ambry Variant Classification Scheme 2023. Collection method: clinical testing. Allele origin: germline.
Comment: The p.G1470A variant (also known as c.4409G>C), located in coding exon 16 of the POLQ gene, results from a G to C substitution at nucleotide position 4409. The glycine at codon 1470 is replaced by alanine, an amino acid with similar properties. This amino acid position is conserved. In addition, this alteration is predicted to be tolerated by in silico analysis. Since supporting evidence is limited at this time, the clinical significance of this alteration remains unclear.

NM_199420.4(POLQ):c.4409G>C (p.Gly1470Ala)

Gene: POLQ (DNA polymerase theta; minus strand). Cytogenetic location: 3q13.33.
Variant type: single nucleotide variant.
Coding change: c.4409G>C on transcript NM_199420.4 (MANE Select); coding-DNA position 4409, G replaced by C.
Protein change: p.Gly1470Ala; replaces glycine 1470 with alanine.
Molecular consequence: missense variant.
Genome position (GRCh38, 1-based): chr3:121,488,522, C>G on the plus strand (G>C on the coding strand, the complement: POLQ is on the minus strand). VCF-style: chr3-121488522-C-G. GRCh37 (hg19) VCF-style: chr3-121207369-C-G.
Other names: short protein forms G1470A.
Identifiers: ClinVar variation 1740371 (VCV001740371.2), dbSNP rs970197611, ClinGen allele CA354095213.